The following is an entry in ClinVar:

NM_198428.3(BBS9):c.214G>T (p.Val72Leu)

Gene: BBS9 (Bardet-Biedl syndrome 9; plus strand). Cytogenetic location: 7p14.3.
Variant type: single nucleotide variant.
Coding change: c.214G>T on transcript NM_198428.3 (MANE Select); coding-DNA position 214, G replaced by T.
Protein change: p.Val72Leu; replaces valine 72 with leucine.
Molecular consequence: missense variant. On other transcripts: 5 prime UTR variant (4), non-coding transcript variant (3), intron variant (2).
Genome position (GRCh38, 1-based): chr7:33,152,802, G>T. VCF-style: chr7-33152802-G-T. GRCh37 (hg19) VCF-style: chr7-33192414-G-T.
Other names: c.214G>T, p.Val72Leu (NM_001033604.2, NM_001033605.2, NM_001348036.1 and 5 more transcripts); c.-88G>T (NM_001348037.3, NM_001348045.3); c.-64G>T (NM_001348038.3, NM_001348039.3); c.79G>T, p.Val27Leu (NM_001348042.3); c.-39+22761G>T (NM_001348046.3, NM_001348044.3); short protein forms V27L, V72L.
Identifiers: ClinVar variation 3358631 (VCV003358631.2).

ClinVar aggregate classification (germline): Uncertain significance. Review status: criteria provided, single submitter (1 of 4 stars). 2 submissions from 2 submitters: Uncertain significance (1). 1 of the submissions does not count toward it. Last evaluated 2023-09-28.

Conditions:
BBS9-related disorder. Also called: BBS9-related condition.

gnomAD v4.1: 9 of 1,613,718 alleles (0.00056%); highest among the groups gnomAD compares: Middle Eastern, 0.033%; no homozygotes.

Submissions (2):

Blueprint Genetics
Classification: Uncertain significance. Last evaluated: 2023-09-28. Review status: criteria provided, single submitter. Criteria: ACMG Guidelines, 2015. Collection method: clinical testing. Allele origin: germline.

PreventionGenetics, part of Exact Sciences
Classification: Uncertain significance for BBS9-related condition. Last evaluated: 2024-05-21. Review status: no assertion criteria provided. Collection method: clinical testing. Allele origin: germline. Not counted in ClinVar's aggregate classification.
Comment: The BBS9 c.214G>T variant is predicted to result in the amino acid substitution p.Val72Leu. To our knowledge, this variant has not been reported in the literature. This variant is reported in 0.025% of alleles in individuals of East Asian descent in gnomAD. At this time, the clinical significance of this variant is uncertain due to the absence of conclusive functional and genetic evidence.